The following is an entry in ClinVar:

ClinVar aggregate classification (germline): Uncertain significance (1 of 4 stars; one submission).

Allele frequency attached by ClinVar (database versions not stated): TOPMed 0.00002.
gnomAD v4.1: 61 of 1,614,138 alleles (0.0038%); highest among the groups gnomAD compares: Non-Finnish European, 0.0052%; no homozygotes.

Submission:

Labcorp Genetics (formerly Invitae), Labcorp
Classification: Uncertain significance. Last evaluated: 2024-12-31. Review status: criteria provided, single submitter. Criteria: Invitae Variant Classification Sherloc (09022015). Collection method: clinical testing. Allele origin: germline.
Comment: This sequence change falls in intron 18 of the PRPF8 gene. It does not directly change the encoded amino acid sequence of the PRPF8 protein. It affects a nucleotide within the consensus splice site. This variant is present in population databases (rs747734056, gnomAD 0.003%). This variant has been observed in individuals with PRPF8-related conditions (internal data). ClinVar contains an entry for this variant (Variation ID: 968021). Variants that disrupt the consensus splice site are a relatively common cause of aberrant splicing (PMID: 17576681, 9536098). Algorithms developed to predict the effect of sequence changes on RNA splicing suggest that this variant is not likely to affect RNA splicing. In summary, the available evidence is currently insufficient to determine the role of this variant in disease. Therefore, it has been classified as a Variant of Uncertain Significance.

Literature cited by the submitters: PubMed 17576681; PubMed 9536098.

NM_006445.4(PRPF8):c.2679+5G>A

Gene: PRPF8 (pre-mRNA processing factor 8; minus strand). Cytogenetic location: 17p13.3.
Variant type: single nucleotide variant.
Coding change: c.2679+5G>A on transcript NM_006445.4 (MANE Select); 5 bases into the intron after coding-DNA position 2679, G replaced by A.
Molecular consequence: intron variant.
Genome position (GRCh38, 1-based): chr17:1,675,923, C>T on the plus strand (G>A on the coding strand, the complement: PRPF8 is on the minus strand). VCF-style: chr17-1675923-C-T. GRCh37 (hg19) VCF-style: chr17-1579217-C-T.
Identifiers: ClinVar variation 968021 (VCV000968021.7), dbSNP rs747734056, ClinGen allele CA8272073.
Genomic context (GRCh38, chr17:1,675,923, plus strand): 5'-GTAGAACCAAAGGCAACTGCTACCTTTGGTAGAACCAAAAAGAAAACTTGGGAGGCCTCA[C>T]TCACCTCTTTGAAGGCTCTCTGTGTGAGGAGGTGACGCTTGATGCGGGACAGCGCCTCGT-3'